The following is an entry in ClinVar:

ClinVar aggregate classification (germline): Likely pathogenic (1 of 4 stars; one submission).

Conditions:
Mandibulofacial dysostosis-microcephaly syndrome (MFDGA). Also called: Mandibulofacial dysostosis, Guion-Almeida type; Growth and mental retardation, mandibulofacial dysostosis, microcephaly, and cleft palate. Identifiers: Orphanet 79113, MedGen C1864652, MONDO:0012516, OMIM 610536.

Submission:

Institute of Human Genetics, University of Leipzig Medical Center
Classification: Likely pathogenic for Mandibulofacial dysostosis-microcephaly syndrome. Last evaluated: 2024-04-22. Review status: criteria provided, single submitter. Criteria: ACMG Guidelines, 2015. Collection method: clinical testing. Allele origin: unknown. Inheritance: Autosomal dominant inheritance. Affected: yes.
Comment: Criteria applied: PVS1,PM2_SUP

NM_004247.4(EFTUD2):c.2815dup (p.Arg939fs)

Gene: EFTUD2 (elongation factor Tu GTP binding domain containing 2; minus strand). Cytogenetic location: 17q21.31.
Variant type: Duplication.
Coding change: c.2815dup on transcript NM_004247.4 (MANE Select); coding-DNA position 2815, one base duplicated (C; older notation c.2815dupC).
Protein change: p.Arg939fs; shifts the reading frame from arginine 939.
Molecular consequence: frameshift variant.
Genome position (GRCh38, 1-based): chr17:44,851,718, G duplicated on the plus strand (C on the coding strand, the reverse complement: EFTUD2 is on the minus strand); the first of 2 consecutive G bases (chr17:44,851,718-44,851,719); duplicating either gives the same sequence. VCF-style (leftmost placement, unchanged base first): chr17-44851717-C-CG. GRCh37 (hg19) VCF-style: chr17-42929085-C-CG.
Other names: c.2710dup, p.Arg904fs (NM_001142605.2); c.2815dup, p.Arg939fs (NM_001258353.2); c.2785dup, p.Arg929fs (NM_001258354.2); short protein forms R904fs, R929fs, R939fs.
Identifiers: ClinVar variation 3358960 (VCV003358960.2).